The following is an entry in ClinVar:

NM_032607.3(CREB3L3):c.343C>G (p.Pro115Ala)

Gene: CREB3L3 (cAMP responsive element binding protein 3 like 3; plus strand). Cytogenetic location: 19p13.3.
Variant type: single nucleotide variant.
Coding change: c.343C>G on transcript NM_032607.3 (MANE Select); coding-DNA position 343, C replaced by G.
Protein change: p.Pro115Ala; replaces proline 115 with alanine.
Molecular consequence: missense variant.
Genome position (GRCh38, 1-based): chr19:4,157,181, C>G. VCF-style: chr19-4157181-C-G. GRCh37 (hg19) VCF-style: chr19-4157178-C-G.
Other names: c.340C>G, p.Pro114Ala (NM_001271995.2); c.343C>G, p.Pro115Ala (NM_001271996.2, NM_001271997.2); short protein forms P114A, P115A.
Identifiers: ClinVar variation 2589024 (VCV002589024.2), dbSNP rs765691818, ClinGen allele CA9091278.

ClinVar aggregate classification (germline): Uncertain significance (1 of 4 stars; one submission).

Allele frequency attached by ClinVar (database versions not stated): gnomAD 0.00002; gnomAD exomes 0.00002; ExAC 0.00007.

Submission:

Ambry Genetics
Classification: Uncertain significance. Last evaluated: 2023-06-29. Review status: criteria provided, single submitter. Criteria: Ambry Variant Classification Scheme 2023. Collection method: clinical testing. Allele origin: germline.
Comment: Does not currently meet published gene-disease clinical validity criteria Based on insufficient or conflicting evidence, the clinical significance of this alteration remains unclear.

Literature cited by the submitters: PubMed 28106320.